The following is an entry in ClinVar:

ClinVar aggregate classification (germline): Likely benign. Review status: criteria provided, multiple submitters, no conflicts (2 of 4 stars). 9 submissions from 9 submitters: Likely benign (8). 1 of the submissions does not count toward it. Last evaluated 2026-03-01.

Conditions:
RET-related disorder. Also called: RET-related disorders; RET-related condition; RET-related disease.
Hereditary cancer-predisposing syndrome. Also called: Tumor predisposition; Hereditary neoplastic syndrome; Hereditary Cancer Syndrome; Neoplastic Syndromes, Hereditary. Identifiers: Orphanet 140162, MedGen C0027672, MeSH D009386, MONDO:0015356.
Multiple endocrine neoplasia, type 2 (MEN2). Identifiers: Orphanet 653, MedGen C4048306, MONDO:0019003. Disease mechanism: gain of function.

Allele frequency attached by ClinVar (database versions not stated): gnomAD 0.00001; gnomAD exomes 0.00002 and 0.00006; TOPMed 0.00003.
gnomAD v4.1: 26 of 1,613,756 alleles (0.0016%); highest among the groups gnomAD compares: Admixed American, 0.023%; no homozygotes.

Submissions (9):

CeGaT Center for Human Genetics Tuebingen
Classification: Likely benign. Last evaluated: 2026-03-01. Review status: criteria provided, single submitter. Criteria: CeGaT Center For Human Genetics Tuebingen Variant Classification Criteria Version 2. Collection method: clinical testing. Allele origin: germline. Affected: yes. Observed: 2 variant alleles.
Comment: RET: BP4, BP7

Labcorp Genetics (formerly Invitae), Labcorp
Classification: Likely benign for Multiple endocrine neoplasia, type 2. Last evaluated: 2026-01-30. Review status: criteria provided, single submitter. Criteria: Invitae Variant Classification Sherloc (09022015). Collection method: clinical testing. Allele origin: germline.

Blueprint Genetics
Classification: Likely benign. Last evaluated: 2024-07-08. Review status: criteria provided, single submitter. Criteria: ACMG Guidelines, 2015. Collection method: clinical testing. Allele origin: germline.

All of Us Research Program, National Institutes of Health
Classification: Likely benign for Multiple endocrine neoplasia, type 2. Last evaluated: 2023-12-13. Review status: criteria provided, single submitter. Criteria: ACMG Guidelines, 2015. Collection method: clinical testing. Allele origin: germline. Inheritance: Autosomal dominant inheritance. Observed: 7 variant alleles, 7 heterozygotes.
Comment: This study involves interpretation of variants in research participants for the purpose of population health screening. Participant phenotype was not available at the time of variant classification. Additional details can be found in publication PMID: 35346344, PMCID: PMC8962531

Color Diagnostics, LLC DBA Color Health
Classification: Likely benign for Multiple endocrine neoplasia, type 2. Last evaluated: 2022-11-06. Review status: criteria provided, single submitter. Criteria: ACMG Guidelines, 2015. Collection method: clinical testing. Allele origin: germline.

Sema4
Classification: Likely benign for Hereditary cancer-predisposing syndrome. Last evaluated: 2021-02-17. Review status: criteria provided, single submitter. Criteria: Sema4 Curation Guidelines. Collection method: curation. Allele origin: germline.

GeneDx
Classification: Likely benign. Last evaluated: 2017-04-03. Review status: criteria provided, single submitter. Criteria: GeneDx Variant Classification (06012015). Collection method: clinical testing. Allele origin: germline. Affected: yes.
Comment: This variant is considered likely benign or benign based on one or more of the following criteria: it is a conservative change, it occurs at a poorly conserved position in the protein, it is predicted to be benign by multiple in silico algorithms, and/or has population frequency not consistent with disease.

Ambry Genetics
Classification: Likely benign for Hereditary cancer-predisposing syndrome. Last evaluated: 2015-12-17. Review status: criteria provided, single submitter. Criteria: Ambry Variant Classification Scheme 2023. Collection method: clinical testing. Allele origin: germline.

PreventionGenetics, part of Exact Sciences
Classification: Likely benign for RET-related condition. Last evaluated: 2021-06-23. Review status: no assertion criteria provided. Collection method: clinical testing. Allele origin: germline. Not counted in ClinVar's aggregate classification.
Comment: This variant is classified as likely benign based on ACMG/AMP sequence variant interpretation guidelines (Richards et al. 2015 PMID: 25741868, with internal and published modifications).

NM_020975.6(RET):c.1464C>T (p.Thr488=)

Gene: RET (ret proto-oncogene; plus strand). Cytogenetic location: 10q11.21.
Variant type: single nucleotide variant.
Coding change: c.1464C>T on transcript NM_020975.6 (MANE Select); coding-DNA position 1464, C replaced by T.
Protein change: p.Thr488=; no amino-acid change (threonine 488 retained).
Molecular consequence: synonymous variant. On other transcripts: intron variant (15).
Genome position (GRCh38, 1-based): chr10:43,111,407, C>T. VCF-style: chr10-43111407-C-T. GRCh37 (hg19) VCF-style: chr10-43606855-C-T.
Other names: c.1335C>T, p.Thr445= (NM_001406761.1, NM_001406762.1, NM_001406764.1 and 1 more transcripts); c.1464C>T, p.Thr488= (NM_001406763.1, NM_001406765.1, NM_020629.2 and 6 more transcripts); c.1176C>T, p.Thr392= (NM_001406766.1, NM_001406767.1, NM_001406770.1); c.1068C>T, p.Thr356= (NM_001406769.1, NM_001406772.1); c.1026C>T, p.Thr342= (NM_001406771.1, NM_001406773.1); c.939C>T, p.Thr313= (NM_001406774.1); c.738C>T, p.Thr246= (NM_001406775.1, NM_001406776.1, NM_001406777.1 and 1 more transcripts); c.474C>T, p.Thr158= (NM_001406784.1); and 5 more.
Identifiers: ClinVar variation 413458 (VCV000413458.34), dbSNP rs921948385, ClinGen allele CA16613073.
Genomic context (GRCh38, chr10:43,111,407, plus strand): 5'-TGACACCAAGGCCCTGCGGCGGCCCAAGTGTGCCGAACTTCACTACATGGTGGTGGCCAC[C>T]GACCAGCAGACCTCTAGGCAGGCCCAGGCCCAGCTGCTTGTAACAGTGGAGGGGTCATGT-3'
Protein context (NP_066124.1, residues 478-498): CAELHYMVVA[Thr488=]DQQTSRQAQA